The following is an entry in ClinVar:

ClinVar aggregate classification (germline): Uncertain significance. Review status: criteria provided, multiple submitters, no conflicts (2 of 4 stars). 2 submissions from 2 submitters: Uncertain significance (2). Last evaluated 2024-05-01.

gnomAD v4.1: 5 of 1,553,222 alleles (0.00032%); highest among the groups gnomAD compares: Non-Finnish European, 0.00044%; no homozygotes.

Submissions (2):

Ambry Genetics
Classification: Uncertain significance. Last evaluated: 2024-05-01. Review status: criteria provided, single submitter. Criteria: Ambry Variant Classification Scheme 2023. Collection method: clinical testing. Allele origin: germline.

Labcorp Genetics (formerly Invitae), Labcorp
Classification: Uncertain significance. Last evaluated: 2024-02-05. Review status: criteria provided, single submitter. Criteria: Invitae Variant Classification Sherloc (09022015). Collection method: clinical testing. Allele origin: germline.
Comment: This sequence change replaces isoleucine, which is neutral and non-polar, with threonine, which is neutral and polar, at codon 1384 of the NIN protein (p.Ile1384Thr). This variant is not present in population databases (gnomAD no frequency). This variant has not been reported in the literature in individuals affected with NIN-related conditions. Algorithms developed to predict the effect of missense changes on protein structure and function output the following: SIFT: "Not Available"; PolyPhen-2: "Benign"; Align-GVGD: "Not Available". The threonine amino acid residue is found in multiple mammalian species, which suggests that this missense change does not adversely affect protein function. In summary, the available evidence is currently insufficient to determine the role of this variant in disease. Therefore, it has been classified as a Variant of Uncertain Significance.

NM_020921.4(NIN):c.4151T>C (p.Ile1384Thr)

Gene: NIN (ninein; minus strand). Cytogenetic location: 14q22.1.
Variant type: single nucleotide variant.
Coding change: c.4151T>C on transcript NM_020921.4 (MANE Select); coding-DNA position 4151, T replaced by C.
Protein change: p.Ile1384Thr; replaces isoleucine 1384 with threonine.
Molecular consequence: missense variant. On other transcripts: intron variant (1).
Genome position (GRCh38, 1-based): chr14:50,756,879, A>G on the plus strand (T>C on the coding strand, the complement: NIN is on the minus strand). VCF-style: chr14-50756879-A-G. GRCh37 (hg19) VCF-style: chr14-51223597-A-G.
Other names: c.4151T>C, p.Ile1384Thr (NM_182944.3, NM_182946.2); c.2400-2012T>C (NM_016350.5); short protein forms I1384T.
Identifiers: ClinVar variation 3299745 (VCV003299745.3).